The following is an entry in ClinVar:

ClinVar aggregate classification (germline): Likely pathogenic (1 of 4 stars; one submission).

Conditions:
Osteogenesis imperfecta type 8 (OI8). Identifiers: MedGen C1970458, MONDO:0012581, OMIM 610915.

gnomAD v4.1: 13 of 1,613,602 alleles (0.00081%); highest among the groups gnomAD compares: Non-Finnish European, 0.0011%; no homozygotes.

Submission:

Labcorp Genetics (formerly Invitae), Labcorp
Classification: Likely pathogenic for Osteogenesis imperfecta type 8. Last evaluated: 2023-03-08. Review status: criteria provided, single submitter. Criteria: Invitae Variant Classification Sherloc (09022015). Collection method: clinical testing. Allele origin: germline.
Comment: This sequence change affects an acceptor splice site in intron 4 of the P3H1 gene. It is expected to disrupt RNA splicing. Variants that disrupt the donor or acceptor splice site typically lead to a loss of protein function (PMID: 16199547), and loss-of-function variants in P3H1 are known to be pathogenic (PMID: 17277775, 18566967, 19088120, 22281939). This variant is present in population databases (no rsID available, gnomAD 0.0009%). This variant has not been reported in the literature in individuals affected with P3H1-related conditions. Algorithms developed to predict the effect of sequence changes on RNA splicing suggest that this variant may disrupt the consensus splice site. In summary, the currently available evidence indicates that the variant is pathogenic, but additional data are needed to prove that conclusively. Therefore, this variant has been classified as Likely Pathogenic.

Literature cited by the submitters: PubMed 16199547; PubMed 17277775; PubMed 18566967; PubMed 19088120; PubMed 22281939.

NM_022356.4(P3H1):c.941-2A>T

Gene: P3H1 (prolyl 3-hydroxylase 1; minus strand). Cytogenetic location: 1p34.2.
Variant type: single nucleotide variant.
Coding change: c.941-2A>T on transcript NM_022356.4 (MANE Select); the canonical splice acceptor site of the intron before coding-DNA position 941, A replaced by T.
Molecular consequence: splice acceptor variant.
Genome position (GRCh38, 1-based): chr1:42,757,924, T>A on the plus strand (A>T on the coding strand, the complement: P3H1 is on the minus strand). VCF-style: chr1-42757924-T-A. GRCh37 (hg19) VCF-style: chr1-43223595-T-A.
Other names: c.941-2A>T (NM_001146289.2, NM_001243246.2).
Identifiers: ClinVar variation 2738482 (VCV002738482.3), dbSNP rs1194444860, ClinGen allele CA339959116.
Genomic context (GRCh38, chr1:42,757,924, plus strand): 5'-ATTGGGGAAGAAGAGAAGATAGGTCTTGGCACATTCAACAGCCTGTGTATAATTCCCAAC[T>A]GCAAAGTGGAAAGAAGAATGGCTGAGAGGAAAGAGTCAAAAGGAAAGGATAAAATCCTAG-3'